The following is an entry in ClinVar:

NM_000337.6(SGCD):c.259C>A (p.Gln87Lys)

Gene: SGCD (sarcoglycan delta; plus strand). Cytogenetic location: 5q33.3.
Variant type: single nucleotide variant.
Coding change: c.259C>A on transcript NM_000337.6 (MANE Select); coding-DNA position 259, C replaced by A.
Protein change: p.Gln87Lys; replaces glutamine 87 with lysine.
Molecular consequence: missense variant.
Genome position (GRCh38, 1-based): chr5:156,508,667, C>A. VCF-style: chr5-156508667-C-A. GRCh37 (hg19) VCF-style: chr5-155935677-C-A.
Other names: c.259C>A, p.Gln87Lys (NM_172244.3); c.256C>A, p.Gln86Lys (NM_001128209.2); short protein forms Q86K, Q87K.
Identifiers: ClinVar variation 4163694 (VCV004163694.1).
Genomic context (GRCh38, chr5:156,508,667, plus strand): 5'-ATGGGAAACCTGAGGATCACAGAAAAAGGTCTAAAGCTAGAAGGAGACTCTGAATTCTTA[C>A]AACCTCTCTACGCCAAAGAAATCCAGTCCCGACCAGTAAGTTTCTGCTGAGAGAAGGAGG-3'
Protein context (NP_000328.2, residues 77-97): LKLEGDSEFL[Gln87Lys]PLYAKEIQSR

ClinVar aggregate classification (germline): Uncertain significance (1 of 4 stars; one submission).

Conditions:
Inborn genetic diseases. Identifiers: MedGen C0950123, MeSH D030342.

gnomAD v4.1: 2 of 1,611,200 alleles (0.00012%); highest among the groups gnomAD compares: Non-Finnish European, 0.00017%; no homozygotes.

Submission:

Ambry Genetics
Classification: Uncertain significance for Inborn genetic diseases. Last evaluated: 2025-07-21. Review status: criteria provided, single submitter. Criteria: Ambry Variant Classification Scheme 2023. Collection method: clinical testing. Allele origin: germline.
Comment: The p.Q87K variant (also known as c.259C>A), located in coding exon 3 of the SGCD gene, results from a C to A substitution at nucleotide position 259. The glutamine at codon 87 is replaced by lysine, an amino acid with similar properties. This amino acid position is conserved. In addition, this alteration is predicted to be tolerated by in silico analysis. Based on the available evidence, the clinical significance of this variant remains unclear.